The following is an entry in ClinVar:

ClinVar aggregate classification (germline): Uncertain significance (1 of 4 stars; one submission).

Allele frequency attached by ClinVar (database versions not stated): gnomAD exomes below 0.00001; TOPMed below 0.00001; ExAC 0.00001.
gnomAD v4.1: 1 of 1,609,432 alleles (0.000062%); highest among the groups gnomAD compares: Non-Finnish European, 0.000085%; no homozygotes.

Submission:

Labcorp Genetics (formerly Invitae), Labcorp
Classification: Uncertain significance. Last evaluated: 2021-06-13. Review status: criteria provided, single submitter. Criteria: Invitae Variant Classification Sherloc (09022015). Collection method: clinical testing. Allele origin: germline.
Comment: This sequence change replaces serine with threonine at codon 650 of the KIZ protein (p.Ser650Thr). There is a small physicochemical difference between serine and threonine. This variant is present in population databases (rs756456621, ExAC 0.002%). This variant has not been reported in the literature in individuals with KIZ-related conditions. Experimental studies and prediction algorithms are not available or were not evaluated, and the functional significance of this variant is currently unknown. In summary, the available evidence is currently insufficient to determine the role of this variant in disease. Therefore, it has been classified as a Variant of Uncertain Significance.

NM_018474.6(KIZ):c.1949G>C (p.Ser650Thr)

Gene: KIZ (kizuna centrosomal protein; plus strand). Cytogenetic location: 20p11.23.
Variant type: single nucleotide variant.
Coding change: c.1949G>C on transcript NM_018474.6 (MANE Select); coding-DNA position 1949, G replaced by C.
Protein change: p.Ser650Thr; replaces serine 650 with threonine.
Molecular consequence: missense variant.
Genome position (GRCh38, 1-based): chr20:21,246,503, G>C. VCF-style: chr20-21246503-G-C. GRCh37 (hg19) VCF-style: chr20-21227141-G-C.
Other names: c.1640G>C, p.Ser547Thr (NM_001163022.3); c.1550G>C, p.Ser517Thr (NM_001163023.3); c.1802G>C, p.Ser601Thr (NM_001276389.2); c.1895G>C, p.Ser632Thr (NM_001352434.2); c.1586G>C, p.Ser529Thr (NM_001352435.2); c.1607G>C, p.Ser536Thr (NM_001352436.2); short protein forms S517T, S536T, S529T, S547T, S601T, S650T, S632T.
Identifiers: ClinVar variation 1360831 (VCV001360831.6), dbSNP rs756456621, ClinGen allele CA9785043.
Genomic context (GRCh38, chr20:21,246,503, plus strand): 5'-AAAAATGTTAAATAACTGTCTGGTTTTATTTTCCAGCCCTCTGGGATGAGTCTGATGACA[G>C]TAACTCAGAAATTGAGGCTGCTTTACGCCCCAGAAACCATAACACCGATGATTCTGATGA-3'
Protein context (NP_060944.3, residues 640-660): SNALWDESDD[Ser650Thr]NSEIEAALRP